The following is an entry in ClinVar:

NM_004628.5(XPC):c.2006del (p.Tyr669fs)

Gene: XPC (XPC complex subunit, DNA damage recognition and repair factor; minus strand). Cytogenetic location: 3p25.1.
Variant type: Deletion.
Coding change: c.2006del on transcript NM_004628.5 (MANE Select); coding-DNA position 2006, one base deleted (A; older notation c.2006delA).
Protein change: p.Tyr669fs; shifts the reading frame from tyrosine 669.
Molecular consequence: frameshift variant. On other transcripts: intron variant (1).
Genome position (GRCh38, 1-based): chr3:14,156,362, T deleted on the plus strand (A on the coding strand, the reverse complement: XPC is on the minus strand). VCF-style (leftmost placement, unchanged base first): chr3-14156361-AT-A. GRCh37 (hg19) VCF-style: chr3-14197861-AT-A.
Other names: c.1427del, p.Tyr476fs (NM_001354726.2); c.1988del, p.Tyr663fs (NM_001354729.2); c.1760del, p.Tyr587fs (NM_001354730.2); c.1872+1649del (NM_001354727.2); short protein forms Y476fs, Y663fs, Y669fs, Y587fs.
Identifiers: ClinVar variation 2764151 (VCV002764151.3), dbSNP rs2470251336, ClinGen allele CA2697550698.

ClinVar aggregate classification (germline): Pathogenic (1 of 4 stars; one submission).

Submission:

Labcorp Genetics (formerly Invitae), Labcorp
Classification: Pathogenic. Last evaluated: 2023-10-06. Review status: criteria provided, single submitter. Criteria: Invitae Variant Classification Sherloc (09022015). Collection method: clinical testing. Allele origin: germline.
Comment: This sequence change creates a premature translational stop signal (p.Tyr669Phefs*23) in the XPC gene. It is expected to result in an absent or disrupted protein product. Loss-of-function variants in XPC are known to be pathogenic (PMID: 23173980, 25256075). This variant is not present in population databases (gnomAD no frequency). This variant has not been reported in the literature in individuals affected with XPC-related conditions. For these reasons, this variant has been classified as Pathogenic.

Literature cited by the submitters: PubMed 23173980; PubMed 25256075.